The following is an entry in ClinVar:

NM_004380.3(CREBBP):c.4560+4C>T

Gene: CREBBP (CREB binding protein; minus strand). Cytogenetic location: 16p13.3.
Variant type: single nucleotide variant.
Coding change: c.4560+4C>T on transcript NM_004380.3 (MANE Select); 4 bases into the intron after coding-DNA position 4560, C replaced by T.
Molecular consequence: intron variant.
Genome position (GRCh38, 1-based): chr16:3,736,646, G>A on the plus strand (C>T on the coding strand, the complement: CREBBP is on the minus strand). VCF-style: chr16-3736646-G-A. GRCh37 (hg19) VCF-style: chr16-3786647-G-A.
Other names: c.4446+4C>T (NM_001079846.1).
Identifiers: ClinVar variation 3375358 (VCV003375358.1).

ClinVar aggregate classification (germline): Uncertain significance (1 of 4 stars; one submission).

gnomAD v4.1: 2 of 1,614,198 alleles (0.00012%); highest among the groups gnomAD compares: South Asian, 0.0011%; no homozygotes.

Submission:

Women's Health and Genetics/Laboratory Corporation of America, LabCorp
Classification: Uncertain significance. Last evaluated: 2024-09-20. Review status: criteria provided, single submitter. Criteria: LabCorp Variant Classification Summary - May 2015. Collection method: clinical testing. Allele origin: germline.
Comment: Variant summary: CREBBP c.4560+4C>T alters a non-conserved nucleotide located close to a canonical splice site and therefore could affect mRNA splicing, leading to a significantly altered protein sequence. Consensus agreement among computation tools predict no significant impact on normal splicing. However, these predictions have yet to be confirmed by functional studies. The variant was absent in 251458 control chromosomes (gnomAD). The available data on variant occurrences in the general population are insufficient to allow any conclusion about variant significance. To our knowledge, no occurrence of c.4560+4C>T in individuals affected with Rubinstein-Taybi Syndrome and no experimental evidence demonstrating its impact on protein function have been reported. No submitters have cited clinical-significance assessments for this variant to ClinVar. Based on the evidence outlined above, the variant was classified as uncertain significance.